The following is an entry in ClinVar:

ClinVar aggregate classification (germline): Pathogenic/Likely pathogenic. Review status: criteria provided, multiple submitters, no conflicts (2 of 4 stars). 4 submissions from 4 submitters: Pathogenic (1); Likely pathogenic (3). Last evaluated 2024-11-04.

Conditions:
Pyknodysostosis. Also called: Pycnodysostosis. Identifiers: Orphanet 763, MedGen C0238402, MONDO:0009940, OMIM 265800.

Allele frequency attached by ClinVar (database versions not stated): TOPMed 0.00001; gnomAD exomes 0.00002 and 0.00003.
gnomAD v4.1: 41 of 1,614,072 alleles (0.0025%); highest among the groups gnomAD compares: Non-Finnish European, 0.0031%; no homozygotes.

Submissions (4):

Labcorp Genetics (formerly Invitae), Labcorp
Classification: Pathogenic. Last evaluated: 2024-11-04. Review status: criteria provided, single submitter. Criteria: Invitae Variant Classification Sherloc (09022015). Collection method: clinical testing. Allele origin: germline.
Comment: This sequence change replaces isoleucine, which is neutral and non-polar, with threonine, which is neutral and polar, at codon 249 of the CTSK protein (p.Ile249Thr). This variant is present in population databases (rs199919553, gnomAD 0.004%). This missense change has been observed in individuals with pycnodysostosis (PMID: 17397052, 24767306, 25725806, 26892377). ClinVar contains an entry for this variant (Variation ID: 962917). Invitae Evidence Modeling of protein sequence and biophysical properties (such as structural, functional, and spatial information, amino acid conservation, physicochemical variation, residue mobility, and thermodynamic stability) indicates that this missense variant is expected to disrupt CTSK protein function with a positive predictive value of 80%. Experimental studies have shown that this missense change does not substantially affect CTSK function (PMID: 17397052, 30199612). For these reasons, this variant has been classified as Pathogenic.

Natera, Inc.
Classification: Likely pathogenic for Pyknodysostosis. Last evaluated: 2024-08-19. Review status: criteria provided, single submitter. Criteria: Natera Variant Classification Schema (03/2026). Collection method: clinical testing. Allele origin: germline.
Comment: The c.746T>C variant in CTSK is a missense variant predicted to cause substitution of isoleucine to threonine at amino acid 249. This variant is rare in the general population with a frequency below the threshold expected for the associated phenotype(s). This variant has been observed in one or more individuals affected with the associated recessive disease, as either homozygous or compound heterozygous with a second variant (PMID: 17397052, 24767306). Computational prediction algorithms indicate this variant is likely to affect gene or protein function. Given the available evidence, this variant is classified as Likely Pathogenic.

Genome-Nilou Lab
Classification: Likely pathogenic for Pyknodysostosis. Last evaluated: 2023-04-11. Review status: criteria provided, single submitter. Criteria: ACMG Guidelines, 2015. Collection method: clinical testing. Allele origin: germline. Affected: no.

Fulgent Genetics
Classification: Likely pathogenic for Pyknodysostosis. Last evaluated: 2021-09-25. Review status: criteria provided, single submitter. Criteria: ACMG Guidelines, 2015. Collection method: clinical testing. Allele origin: unknown.

Literature cited by the submitters: PubMed 17397052 (cited by Labcorp Genetics (formerly Invitae), Labcorp and Natera, Inc.); PubMed 24767306 (cited by Labcorp Genetics (formerly Invitae), Labcorp and Natera, Inc.); PubMed 25725806 (cited by Labcorp Genetics (formerly Invitae), Labcorp); PubMed 26892377 (cited by Labcorp Genetics (formerly Invitae), Labcorp); PubMed 30199612 (cited by Labcorp Genetics (formerly Invitae), Labcorp).

NM_000396.4(CTSK):c.746T>C (p.Ile249Thr)

Gene: CTSK (cathepsin K; minus strand). Cytogenetic location: 1q21.3.
Variant type: single nucleotide variant.
Coding change: c.746T>C on transcript NM_000396.4 (MANE Select); coding-DNA position 746, T replaced by C.
Protein change: p.Ile249Thr; replaces isoleucine 249 with threonine.
Molecular consequence: missense variant.
Genome position (GRCh38, 1-based): chr1:150,799,582, A>G on the plus strand (T>C on the coding strand, the complement: CTSK is on the minus strand). VCF-style: chr1-150799582-A-G. GRCh37 (hg19) VCF-style: chr1-150772058-A-G.
Other names: short protein forms I249T.
Identifiers: ClinVar variation 962917 (VCV000962917.16), dbSNP rs199919553, ClinGen allele CA30095571.